The following is an entry in ClinVar:

ClinVar aggregate classification (germline): Uncertain significance. Review status: criteria provided, multiple submitters, no conflicts (2 of 4 stars). 2 submissions from 2 submitters: Uncertain significance (2). Last evaluated 2021-08-15.

Conditions:
Congenital myasthenic syndrome 17. Identifiers: Orphanet 590, MedGen C4225377, MONDO:0014578, OMIM 616304.
Sclerosteosis 2 (SOST2). Identifiers: Orphanet 3152, MedGen C3280402, MONDO:0013679, OMIM 614305.
Cenani-Lenz syndactyly syndrome. Also called: SYNDACTYLY, TYPE VII; CENANI SYNDACTYLISM. Identifiers: Orphanet 3258, MedGen C1859309, MONDO:0008931, OMIM 212780.

Allele frequency attached by ClinVar (database versions not stated): TOPMed below 0.00001; gnomAD exomes 0.00001 and 0.00002; ExAC 0.00002.
gnomAD v4.1: 13 of 1,614,082 alleles (0.00081%); highest among the groups gnomAD compares: South Asian, 0.011%; no homozygotes.

Submissions (2):

Labcorp Genetics (formerly Invitae), Labcorp
Classification: Uncertain significance for Cenani-Lenz syndactyly syndrome; Sclerosteosis 2; Congenital myasthenic syndrome 17. Last evaluated: 2021-08-15. Review status: criteria provided, single submitter. Criteria: Invitae Variant Classification Sherloc (09022015). Collection method: clinical testing. Allele origin: germline.
Comment: In summary, the available evidence is currently insufficient to determine the role of this variant in disease. Therefore, it has been classified as a Variant of Uncertain Significance. Algorithms developed to predict the effect of missense changes on protein structure and function are either unavailable or do not agree on the potential impact of this missense change (SIFT: "Deleterious"; PolyPhen-2: "Benign"; Align-GVGD: "Class C15"). This variant has not been reported in the literature in individuals with LRP4-related conditions. ClinVar contains an entry for this variant (Variation ID: 304867). This variant is present in population databases (rs748719669, ExAC 0.02%). This sequence change replaces alanine with serine at codon 1237 of the LRP4 protein (p.Ala1237Ser). The alanine residue is highly conserved and there is a moderate physicochemical difference between alanine and serine.

Illumina Laboratory Services, Illumina
Classification: Uncertain significance for Cenani-Lenz syndactyly syndrome. Last evaluated: 2018-01-13. Review status: criteria provided, single submitter. Criteria: ICSL Variant Classification Criteria 13 December 2019. Collection method: clinical testing. Allele origin: germline.

NM_002334.4(LRP4):c.3709G>T (p.Ala1237Ser)

Gene: LRP4 (LDL receptor related protein 4; minus strand). Cytogenetic location: 11p11.2.
Variant type: single nucleotide variant.
Coding change: c.3709G>T on transcript NM_002334.4 (MANE Select); coding-DNA position 3709, G replaced by T.
Protein change: p.Ala1237Ser; replaces alanine 1237 with serine.
Molecular consequence: missense variant.
Genome position (GRCh38, 1-based): chr11:46,875,672, C>A on the plus strand (G>T on the coding strand, the complement: LRP4 is on the minus strand). VCF-style: chr11-46875672-C-A. GRCh37 (hg19) VCF-style: chr11-46897223-C-A.
Other names: short protein forms A1237S.
Identifiers: ClinVar variation 304867 (VCV000304867.12), dbSNP rs748719669, ClinGen allele CA5969498.
Genomic context (GRCh38, chr11:46,875,672, plus strand): 5'-CATATGGGTGCTGCACCGGTGACACCAATGTATGCCGATTGGCACCATTCAGGTCAGCAG[C>A]CTCAATTCGCTGCAGAGGAAGGAGAGGGTGGGGGGTGGTGATCAGCAGATTGGGAACTCT-3'
Protein context (NP_002325.2, residues 1227-1247): WADAHTERIE[Ala1237Ser]ADLNGANRHT